The following is an entry in ClinVar:

ClinVar aggregate classification (germline): Conflicting classifications of pathogenicity. Review status: criteria provided, conflicting classifications (1 of 4 stars). 3 submissions from 3 submitters: Uncertain significance (2); Benign (1). Last evaluated 2026-06-14.

Conditions:
Heterotopia, periventricular, X-linked dominant (PVNH1). Also called: PERIVENTRICULAR NODULAR HETEROTOPIA 1; HETEROTOPIA, PERIVENTRICULAR, 1; PERIVENTRICULAR NODULAR HETEROTOPIA 4; X-linked periventricular heterotopia. Identifiers: Orphanet 2149, Orphanet 82004, MedGen C1848213, MONDO:0010233, OMIM 300049.
Melnick-Needles syndrome (MNS). Also called: MELNICK-NEEDLES OSTEODYSPLASTY; OSTEODYSPLASTY OF MELNICK AND NEEDLES; Melnick-Needles Syndrome (FLNA-MNS). Identifiers: Orphanet 2484, MedGen C0025237, MONDO:0010650, OMIM 309350.
Oto-palato-digital syndrome, type II (OPD2). Also called: OPD II SYNDROME; FACIOPALATOOSSEOUS SYNDROME; Otopalatodigital Syndrome Type 2 (FLNA-OPD2); Otopalatodigital Syndrome, Type II. Identifiers: Orphanet 669, Orphanet 90652, MedGen C1844696, MONDO:0010571, OMIM 304120.
Frontometaphyseal dysplasia (FMD1). Identifiers: Orphanet 1826, MedGen C0265293, MONDO:0015942.
Familial thoracic aortic aneurysm and aortic dissection (TAAD). Also called: Thoracic aortic aneurysms and dissections. Identifiers: Orphanet 91387, MedGen C4707243, MONDO:0019625.

Allele frequency attached by ClinVar (database versions not stated): TOPMed 0.00003; gnomAD exomes 0.00001 and 0.00002; ExAC 0.00002.
gnomAD v4.1: 6 of 1,211,818 alleles (0.0005%); highest among the groups gnomAD compares: Admixed American, 0.0022%; no homozygotes.

Submissions (3):

Ambry Genetics
Classification: Uncertain significance for Familial thoracic aortic aneurysm and aortic dissection. Last evaluated: 2026-06-14. Review status: criteria provided, single submitter. Criteria: Ambry Variant Classification Scheme 2023. Collection method: clinical testing. Allele origin: germline.
Comment: The p.R1172Q variant (also known as c.3515G>A), located in coding exon 21 of the FLNA gene, results from a G to A substitution at nucleotide position 3515. The arginine at codon 1172 is replaced by glutamine, an amino acid with highly similar properties. This amino acid position is conserved. In addition, this alteration is predicted to be tolerated by in silico analysis. Based on the available evidence, the clinical significance of this variant remains unclear.

Labcorp Genetics (formerly Invitae), Labcorp
Classification: Benign for Oto-palato-digital syndrome, type II; Heterotopia, periventricular, X-linked dominant; Frontometaphyseal dysplasia; Melnick-Needles syndrome. Last evaluated: 2025-06-10. Review status: criteria provided, single submitter. Criteria: Invitae Variant Classification Sherloc (09022015). Collection method: clinical testing. Allele origin: germline.

ARUP Laboratories, Molecular Genetics and Genomics, ARUP Laboratories
Classification: Uncertain significance. Last evaluated: 2017-08-27. Review status: criteria provided, single submitter. Criteria: ARUP Molecular Germline Variant Investigation Process. Collection method: clinical testing. Allele origin: germline.

NM_001110556.2(FLNA):c.3515G>A (p.Arg1172Gln)

Gene: FLNA (filamin A; minus strand). Cytogenetic location: Xq28.
Variant type: single nucleotide variant.
Coding change: c.3515G>A on transcript NM_001110556.2 (MANE Select); coding-DNA position 3515, G replaced by A.
Protein change: p.Arg1172Gln; replaces arginine 1172 with glutamine.
Molecular consequence: missense variant.
Genome position (GRCh38, 1-based): chrX:154,360,280, C>T on the plus strand (G>A on the coding strand, the complement: FLNA is on the minus strand). VCF-style: chrX-154360280-C-T. GRCh37 (hg19) VCF-style: chrX-153588648-C-T.
Other names: c.3515G>A, p.Arg1172Gln (NM_001456.4); short protein forms R1172Q.
Identifiers: ClinVar variation 618134 (VCV000618134.12), dbSNP rs782694926, ClinGen allele CA10560697.